The following is an entry in ClinVar:

NM_033100.4(CDHR1):c.1631A>C (p.Tyr544Ser)

Gene: CDHR1 (cadherin related family member 1; plus strand). Cytogenetic location: 10q23.1.
Variant type: single nucleotide variant.
Coding change: c.1631A>C on transcript NM_033100.4 (MANE Select); coding-DNA position 1631, A replaced by C.
Protein change: p.Tyr544Ser; replaces tyrosine 544 with serine.
Molecular consequence: missense variant.
Genome position (GRCh38, 1-based): chr10:84,212,256, A>C. VCF-style: chr10-84212256-A-C. GRCh37 (hg19) VCF-style: chr10-85972012-A-C.
Other names: c.1631A>C (NM_033100.2); c.1631A>C, p.Tyr544Ser (NM_001171971.3); short protein forms Y544S.
Identifiers: ClinVar variation 3001684 (VCV003001684.5), dbSNP rs1842346211, ClinGen allele CA377377905.
Genomic context (GRCh38, chr10:84,212,256, plus strand): 5'-CCACTGGGCTTATCTACACCCAGCCCTGGGCTAGCCTGGACGCTGAGGCCACTGCCAGGT[A>C]CAACTTCTATGTGAAGGCAGAGGACATGGAAGGCAAGTACAGCGTAGCTGAGGTGTTTAT-3'
Protein context (NP_149091.1, residues 534-554): ASLDAEATAR[Tyr544Ser]NFYVKAEDME

ClinVar aggregate classification (germline): Uncertain significance. Review status: criteria provided, multiple submitters, no conflicts (2 of 4 stars). 3 submissions from 3 submitters: Uncertain significance (3). Last evaluated 2024-11-05.

Conditions:
Inborn genetic diseases. Identifiers: MedGen C0950123, MeSH D030342.

Submissions (3):

Labcorp Genetics (formerly Invitae), Labcorp
Classification: Uncertain significance. Last evaluated: 2024-11-05. Review status: criteria provided, single submitter. Criteria: Invitae Variant Classification Sherloc (09022015). Collection method: clinical testing. Allele origin: germline.
Comment: This sequence change replaces tyrosine, which is neutral and polar, with serine, which is neutral and polar, at codon 544 of the CDHR1 protein (p.Tyr544Ser). This variant is not present in population databases (gnomAD no frequency). This missense change has been observed in individual(s) with clinical features of CDHR1-related conditions (internal data). In at least one individual the data is consistent with being in trans (on the opposite chromosome) from a pathogenic variant. ClinVar contains an entry for this variant (Variation ID: 3001684). Invitae Evidence Modeling of protein sequence and biophysical properties (such as structural, functional, and spatial information, amino acid conservation, physicochemical variation, residue mobility, and thermodynamic stability) indicates that this missense variant is expected to disrupt CDHR1 protein function with a positive predictive value of 80%. In summary, the available evidence is currently insufficient to determine the role of this variant in disease. Therefore, it has been classified as a Variant of Uncertain Significance.

Ambry Genetics
Classification: Uncertain significance for Inborn genetic diseases. Last evaluated: 2024-03-19. Review status: criteria provided, single submitter. Criteria: Ambry Variant Classification Scheme 2023. Collection method: clinical testing. Allele origin: germline.

Blueprint Genetics
Classification: Uncertain significance. Last evaluated: 2024-03-12. Review status: criteria provided, single submitter. Criteria: ACMG Guidelines, 2015. Collection method: clinical testing. Allele origin: germline.